The following is an entry in ClinVar:

ClinVar aggregate classification (germline): Uncertain significance (1 of 4 stars; one submission).

Conditions:
Early-infantile DEE. Also called: Early infantile epileptic encephalopathy with suppression bursts; Early infantile epileptic encephalopathy; Ohtahara syndrome. Identifiers: Orphanet 1934, MedGen C0393706, MONDO:0800491.

Submission:

Labcorp Genetics (formerly Invitae), Labcorp
Classification: Uncertain significance for Early-infantile DEE. Last evaluated: 2025-04-01. Review status: criteria provided, single submitter. Criteria: Invitae Variant Classification Sherloc (09022015). Collection method: clinical testing. Allele origin: germline.
Comment: This sequence change replaces glutamic acid, which is acidic and polar, with glycine, which is neutral and non-polar, at codon 1294 of the SPTAN1 protein (p.Glu1294Gly). This variant is not present in population databases (gnomAD no frequency). This variant has not been reported in the literature in individuals affected with SPTAN1-related conditions. Invitae Evidence Modeling of protein sequence and biophysical properties (such as structural, functional, and spatial information, amino acid conservation, physicochemical variation, residue mobility, and thermodynamic stability) has been performed for this missense variant. However, the output from this modeling did not meet the statistical confidence thresholds required to predict the impact of this variant on SPTAN1 protein function. In summary, the available evidence is currently insufficient to determine the role of this variant in disease. Therefore, it has been classified as a Variant of Uncertain Significance.

NM_001130438.3(SPTAN1):c.3881A>G (p.Glu1294Gly)

Gene: SPTAN1 (spectrin alpha, non-erythrocytic 1; plus strand). Cytogenetic location: 9q34.11.
Variant type: single nucleotide variant.
Coding change: c.3881A>G on transcript NM_001130438.3 (MANE Select); coding-DNA position 3881, A replaced by G.
Protein change: p.Glu1294Gly; replaces glutamic acid 1294 with glycine.
Molecular consequence: missense variant.
Genome position (GRCh38, 1-based): chr9:128,605,312, A>G. VCF-style: chr9-128605312-A-G. GRCh37 (hg19) VCF-style: chr9-131367591-A-G.
Other names: c.3821A>G, p.Glu1274Gly (NM_001195532.2, NM_001363765.2, NM_001375314.2 and 3 more transcripts); c.3881A>G, p.Glu1294Gly (NM_001363759.2, NM_001375310.1, NM_001375311.2 and 4 more transcripts); c.3917A>G, p.Glu1306Gly (NM_001375312.2, NM_001375318.1, NM_001438440.1); short protein forms E1274G, E1294G, E1306G.
Identifiers: ClinVar variation 4761580 (VCV004761580.1).
Genomic context (GRCh38, chr9:128,605,312, plus strand): 5'-CATACCCCCTTACTGCAAGCTCATTCACCACTTTCTTCCCATAGGTAAACTCCCTTGGTG[A>G]AACAGCAGAGCGCCTGATCCAGTCCCATCCCGAGTCAGCAGAAGACCTGCAGGAAAAGTG-3'
Protein context (NP_001123910.1, residues 1284-1304): ALGDKVNSLG[Glu1294Gly]TAERLIQSHP